The following is an entry in ClinVar:

NM_031433.4(MFRP):c.643G>A (p.Val215Ile)

Genes: C1QTNF5 (C1q and TNF related 5; minus strand), MFRP (membrane frizzled-related protein; minus strand). Cytogenetic location: 11q23.3.
Variant type: single nucleotide variant.
Coding change: c.643G>A on transcript NM_031433.4 (MANE Select); coding-DNA position 643, G replaced by A.
Protein change: p.Val215Ile; replaces valine 215 with isoleucine.
Molecular consequence: missense variant. On other transcripts: 5 prime UTR variant (1).
Genome position (GRCh38, 1-based): chr11:119,345,003, C>T on the plus strand (G>A on the coding strand, the complement: MFRP is on the minus strand). VCF-style: chr11-119345003-C-T. GRCh37 (hg19) VCF-style: chr11-119215713-C-T.
Other names: c.-1994G>A (NM_015645.5); short protein forms V215I.
Identifiers: ClinVar variation 1363589 (VCV001363589.7), dbSNP rs1194944071, ClinGen allele CA382977798.

ClinVar aggregate classification (germline): Uncertain significance (1 of 4 stars; one submission).

Conditions:
Isolated microphthalmia 5. Also called: Posterior Microphthalmia with Retinitis Pigmentosa, Foveoschisis, and Optic Disc Drusen. Identifiers: Orphanet 251279, MedGen C1970236, MONDO:0012605, OMIM 611040.

Allele frequency attached by ClinVar (database versions not stated): gnomAD 0.00003; gnomAD exomes below 0.00001.
gnomAD v4.1: 6 of 1,603,960 alleles (0.00037%); highest among the groups gnomAD compares: African/African-American, 0.0067%; no homozygotes.

Submission:

Labcorp Genetics (formerly Invitae), Labcorp
Classification: Uncertain significance for Isolated microphthalmia 5. Last evaluated: 2025-03-31. Review status: criteria provided, single submitter. Criteria: Invitae Variant Classification Sherloc (09022015). Collection method: clinical testing. Allele origin: germline.
Comment: This sequence change replaces valine, which is neutral and non-polar, with isoleucine, which is neutral and non-polar, at codon 215 of the MFRP protein (p.Val215Ile). The frequency data for this variant in the population databases is considered unreliable, as metrics indicate poor data quality at this position in the gnomAD database. This variant has not been reported in the literature in individuals affected with MFRP-related conditions. ClinVar contains an entry for this variant (Variation ID: 1363589). An algorithm developed to predict the effect of missense changes on protein structure and function outputs the following: PolyPhen-2: "Possibly Damaging". The isoleucine amino acid residue is found in multiple mammalian species, which suggests that this missense change does not adversely affect protein function. In summary, the available evidence is currently insufficient to determine the role of this variant in disease. Therefore, it has been classified as a Variant of Uncertain Significance.